The following is an entry in ClinVar:

ClinVar aggregate classification (germline): Benign/Likely benign. Review status: criteria provided, multiple submitters, no conflicts (2 of 4 stars). 11 submissions from 11 submitters: Benign (3); Likely benign (7). 1 of the submissions does not count toward it. Last evaluated 2026-09-01.

Conditions:
Inborn genetic diseases. Identifiers: MedGen C0950123, MeSH D030342.
Microcephaly 7, primary, autosomal recessive. Identifiers: Orphanet 2512, MedGen C2675187, MONDO:0012989, OMIM 612703.
Abnormal brain morphology. Also called: Abnormality of brain morphology. Identifiers: MedGen C4021085, HP:0012443.

Allele frequency attached by ClinVar (database versions not stated): 1000 Genomes Project 0.00060; 1000 Genomes Project 30x 0.00062; gnomAD 0.00193 and 0.00194; gnomAD exomes 0.00208 and 0.00219; TOPMed 0.00208; ExAC 0.00213; ESP Exome Variant Server 0.00231.
gnomAD v4.1: 3,349 of 1,614,076 alleles (0.21%); highest among the groups gnomAD compares: Middle Eastern, 0.48%; 6 homozygotes.

Submissions (11):

CeGaT Center for Human Genetics Tuebingen
Classification: Likely benign. Last evaluated: 2026-09-01. Review status: criteria provided, single submitter. Criteria: CeGaT Center For Human Genetics Tuebingen Variant Classification Criteria Version 2. Collection method: clinical testing. Allele origin: germline. Affected: yes. Observed: 26 variant alleles.
Comment: STIL: BP4

Labcorp Genetics (formerly Invitae), Labcorp
Classification: Benign. Last evaluated: 2026-01-26. Review status: criteria provided, single submitter. Criteria: Invitae Variant Classification Sherloc (09022015). Collection method: clinical testing. Allele origin: germline.

Laboratory for Molecular Medicine, Mass General Brigham Personalized Medicine
Classification: Likely benign. Last evaluated: 2024-03-21. Review status: criteria provided, single submitter. Criteria: ACMG Guidelines, 2015. Collection method: clinical testing. Allele origin: germline.
Comment: The p.Leu438Phe variant in STIL is classified as likely benign because it has been identified in 0.9% (267/29604) of Ashkenazi Jewish chromosomes, 0.4% (29/6060) of Middle Eastern chromosomes and 0.3% (156/60012) of Admixed American chromosomes, including 6 total homozygotes by gnomAD (v.4.0.0). In addition, computational prediction tools predict that this variant does not impact the protein. ACMG/AMP Criteria applied: BS1, BP4.

Athena Diagnostics
Classification: Benign. Last evaluated: 2019-06-17. Review status: criteria provided, single submitter. Criteria: Athena Diagnostics Criteria. Collection method: clinical testing. Allele origin: germline.

Mendelics
Classification: Likely benign for Microcephaly 7, primary, autosomal recessive. Last evaluated: 2019-05-28. Review status: criteria provided, single submitter. Criteria: Mendelics Assertion Criteria 2017. Collection method: clinical testing. Allele origin: unknown.

GeneDx
Classification: Benign. Last evaluated: 2018-02-02. Review status: criteria provided, single submitter. Criteria: GeneDx Variant Classification (06012015). Collection method: clinical testing. Allele origin: germline. Affected: yes.
Comment: This variant is considered likely benign or benign based on one or more of the following criteria: it is a conservative change, it occurs at a poorly conserved position in the protein, it is predicted to be benign by multiple in silico algorithms, and/or has population frequency not consistent with disease.

Center for Pediatric Genomic Medicine, Children's Mercy Hospital and Clinics
Classification: Likely benign. Last evaluated: 2017-05-08. Review status: criteria provided, single submitter. Criteria: ACMG Guidelines, 2015. Collection method: clinical testing. Allele origin: germline.

Genetic Services Laboratory, University of Chicago
Classification: Likely benign. Last evaluated: 2017-04-26. Review status: criteria provided, single submitter. Criteria: ACMG Guidelines, 2015. Collection method: clinical testing. Allele origin: germline. Affected: no.

Eurofins Ntd Llc (ga)
Classification: Likely benign. Last evaluated: 2015-08-19. Review status: criteria provided, single submitter. Criteria: EGL Classification Definitions 2015. Collection method: clinical testing. Allele origin: germline. Observed: 3 variant alleles, 3 heterozygotes.

Ambry Genetics
Classification: Likely benign for Inborn genetic diseases. Last evaluated: 2013-03-20. Review status: criteria provided, single submitter. Criteria: Ambry Autosomal Dominant and X-Linked criteria (10/2015). Collection method: clinical testing. Allele origin: germline. Observed: 1 variant allele.

Lupski Lab, Baylor-Hopkins CMG, Baylor College of Medicine
Classification: Likely pathogenic for Abnormal brain morphology. Review status: flagged submission. Criteria: Karaca et al. (Neuron 2015). Collection method: research. Allele origin: inherited. Inheritance: Autosomal recessive inheritance. Affected: yes. Not counted in ClinVar's aggregate classification.
ClinVar note: Reason: Outlier claim with insufficient supporting evidence

NM_001048166.1(STIL):c.1455G>C (p.Leu485Phe)

Gene: STIL (STIL centriolar assembly protein; minus strand). Cytogenetic location: 1p33.
Variant type: single nucleotide variant.
Coding change: c.1455G>C on transcript NM_001048166.1 (MANE Select); coding-DNA position 1455, G replaced by C.
Protein change: p.Leu485Phe; replaces leucine 485 with phenylalanine.
Molecular consequence: missense variant.
Genome position (GRCh38, 1-based): chr1:47,281,003, C>G on the plus strand (G>C on the coding strand, the complement: STIL is on the minus strand). VCF-style: chr1-47281003-C-G. GRCh37 (hg19) VCF-style: chr1-47746675-C-G.
Other names: c.1455G>C, p.Leu485Phe (NM_001282936.1, NM_001282937.1, NM_003035.2); c.1314G>C, p.Leu438Phe (NM_001282938.1, NM_001282939.1); short protein forms L485F, L438F.
Identifiers: ClinVar variation 160052 (VCV000160052.71), dbSNP rs139912214, ClinGen allele CA239838.